The following is an entry in ClinVar:

NM_172351.3(CD46):c.970C>T (p.Leu324Phe)

Gene: CD46 (CD46 molecule; plus strand). Cytogenetic location: 1q32.2.
Variant type: single nucleotide variant.
Coding change: c.970C>T on transcript NM_172351.3 (MANE Select); coding-DNA position 970, C replaced by T.
Protein change: p.Leu324Phe; replaces leucine 324 with phenylalanine.
Molecular consequence: missense variant.
Genome position (GRCh38, 1-based): chr1:207,783,318, C>T. VCF-style: chr1-207783318-C-T. GRCh37 (hg19) VCF-style: chr1-207956663-C-T.
Other names: c.925C>T, p.Leu309Phe (NM_172353.3, NM_172350.3, NM_172352.3); c.928C>T, p.Leu310Phe (NM_172355.3, NM_172356.3); c.883C>T, p.Leu295Phe (NM_172357.3, NM_172361.3); c.970C>T, p.Leu324Phe (NM_172358.3, NM_153826.4); c.1015C>T, p.Leu339Phe (NM_172359.3, NM_002389.4); short protein forms L295F, L309F, L310F, L324F, L339F.
Identifiers: ClinVar variation 1721303 (VCV001721303.5), dbSNP rs755089095, ClinGen allele CA1371847.
Genomic context (GRCh38, chr1:207,783,318, plus strand): 5'-ATTAATTTAATCTATATTTCTTCTTTTTTCCTAGGATATCCTAAACCTGAGGAAGGAATA[C>T]TTGACAGTTTGGGTTGGTATAGCTATCATGACAAATATAAGTGGTAGTATGTGTAGAAAC-3'
Protein context (NP_758861.1, residues 314-334): PGYPKPEEGI[Leu324Phe]DSLDVWVIAV

ClinVar aggregate classification (germline): Uncertain significance (1 of 4 stars; one submission).

Allele frequency attached by ClinVar (database versions not stated): ExAC 0.00001.
gnomAD v4.1: 6 of 1,534,914 alleles (0.00039%); highest among the groups gnomAD compares: Non-Finnish European, 0.00045%; no homozygotes.

Submission:

Labcorp Genetics (formerly Invitae), Labcorp
Classification: Uncertain significance. Last evaluated: 2022-10-08. Review status: criteria provided, single submitter. Criteria: Invitae Variant Classification Sherloc (09022015). Collection method: clinical testing. Allele origin: germline.
Comment: In summary, the available evidence is currently insufficient to determine the role of this variant in disease. Therefore, it has been classified as a Variant of Uncertain Significance. Advanced modeling of protein sequence and biophysical properties (such as structural, functional, and spatial information, amino acid conservation, physicochemical variation, residue mobility, and thermodynamic stability) performed at Invitae indicates that this missense variant is not expected to disrupt CD46 protein function. This variant has not been reported in the literature in individuals affected with CD46-related conditions. This variant is present in population databases (rs755089095, gnomAD 0.0009%). This sequence change replaces leucine, which is neutral and non-polar, with phenylalanine, which is neutral and non-polar, at codon 339 of the CD46 protein (p.Leu339Phe).